The following is an entry in ClinVar:

ClinVar aggregate classification (germline): Uncertain significance (1 of 4 stars; one submission).

Allele frequency attached by ClinVar (database versions not stated): gnomAD exomes below 0.00001; ExAC 0.00001.

Submission:

CeGaT Center for Human Genetics Tuebingen
Classification: Uncertain significance. Last evaluated: 2024-02-01. Review status: criteria provided, single submitter. Criteria: CeGaT Center For Human Genetics Tuebingen Variant Classification Criteria Version 2. Collection method: clinical testing. Allele origin: germline. Affected: yes. Observed: 1 variant allele.
Comment: NLRP12: PM2, BP4, BP5

NM_144687.4(NLRP12):c.366A>C (p.Arg122Ser)

Gene: NLRP12 (NLR family pyrin domain containing 12; minus strand). Cytogenetic location: 19q13.42.
Variant type: single nucleotide variant.
Coding change: c.366A>C on transcript NM_144687.4 (MANE Select); coding-DNA position 366, A replaced by C.
Protein change: p.Arg122Ser; replaces arginine 122 with serine.
Molecular consequence: missense variant.
Genome position (GRCh38, 1-based): chr19:53,814,912, T>G on the plus strand (A>C on the coding strand, the complement: NLRP12 is on the minus strand). VCF-style: chr19-53814912-T-G. GRCh37 (hg19) VCF-style: chr19-54318166-T-G.
Other names: c.366A>C, p.Arg122Ser (NM_001277126.2, NM_001277129.1); short protein forms R122S.
Identifiers: ClinVar variation 3026466 (VCV003026466.22), dbSNP rs761684667, ClinGen allele CA9639755.
Genomic context (GRCh38, chr19:53,814,912, plus strand): 5'-TGGGGTCAGCTGCTCTGTGTAGATGAATACATGTAGGTACATGGCTTGAGGCTCACCTTT[T>G]CTTGGAGTGACAAGAGAGACTTCCAGAAGGCATGTTGACTGGTTCCCAAGTGAGGACGGG-3'
Protein context (NP_653288.1, residues 112-132): CLLEVSLVTP[Arg122Ser]KDPQETYRDY